The following is an entry in ClinVar:

NM_012471.3(TRPC5):c.1975CCT[1] (p.Pro660del)

Gene: TRPC5 (transient receptor potential cation channel subfamily C member 5; minus strand). Cytogenetic location: Xq23.
Variant type: Microsatellite.
Coding change: c.1975CCT[1] on transcript NM_012471.3 (MANE Select); one copy of the 3-base unit CCT starting at c.1975; the reference has two copies in a row; one copy, 3 bases deleted.
Protein change: p.Pro660del; deletes proline 660.
Molecular consequence: inframe deletion. On other transcripts: inframe indel (2).
Genome position (GRCh38, 1-based): chrX:111,782,055-111,782,057, AGG deleted on the plus strand (CCT on the coding strand, the reverse complement: TRPC5 is on the minus strand); deleting any 3 consecutive bases within chrX:111,782,055-111,782,060 gives the same sequence; the position shown is the placement nearest the transcript's 3' end. VCF-style (leftmost placement, unchanged base first): chrX-111782054-AAGG-A. GRCh37 (hg19) VCF-style: chrX-111025282-AAGG-A.
Other names: c.1978_1980delCCT (NM_012471.2); c.1975_1977CCT[1], p.Pro660del (NM_012471.2); short protein forms P660del.
Identifiers: ClinVar variation 5001496 (VCV005001496.1).
Genomic context (GRCh38, chrX:111,782,054, plus strand): 5'-AGGTGTTGTTGAACCAGTTACCAAGGTATAGAAATGACTTGGGGCTGGGGATGATGTTGA[AAGG>A]AGGTGGCAAGGTGCCACCTTCATCAAAGTAACTCATCCAGAGCTTCGTCCTTGCAAACTT-3'

ClinVar aggregate classification (germline): Uncertain significance (1 of 4 stars; one submission).

Conditions:
TRPC5-related disorder. Also called: TRPC5-related condition.

Submission:

PreventionGenetics, part of Exact Sciences
Classification: Uncertain significance for TRPC5-related condition. Last evaluated: 2025-03-26. Review status: criteria provided, single submitter. Criteria: ACMG Guidelines, 2015. Collection method: clinical testing. Allele origin: germline.
Comment: The TRPC5 c.1978_1980delCCT variant is predicted to result in an in-frame deletion (p.Pro660del). To our knowledge, this variant has not been reported in the literature or in a large population database (gnomAD), indicating this variant is rare. At this time, the clinical significance of this variant is uncertain due to the absence of conclusive functional and genetic evidence.